The following is an entry in ClinVar:

NM_177438.3(DICER1):c.4889G>T (p.Arg1630Leu)

Gene: DICER1 (dicer 1, ribonuclease III; minus strand). Cytogenetic location: 14q32.13.
Variant type: single nucleotide variant.
Coding change: c.4889G>T on transcript NM_177438.3 (MANE Select); coding-DNA position 4889, G replaced by T.
Protein change: p.Arg1630Leu; replaces arginine 1630 with leucine.
Molecular consequence: missense variant.
Genome position (GRCh38, 1-based): chr14:95,096,031, C>A on the plus strand (G>T on the coding strand, the complement: DICER1 is on the minus strand). VCF-style: chr14-95096031-C-A. GRCh37 (hg19) VCF-style: chr14-95562368-C-A.
Other names: NM_177438.3(DICER1):c.4889G>T; p.Arg1630Leu; c.4889G>T, p.Arg1630Leu (NM_001195573.1, NM_001271282.3, NM_001291628.2 and 1 more transcripts); short protein forms R1630L.
Identifiers: ClinVar variation 933119 (VCV000933119.9), dbSNP rs368343829, ClinGen allele CA390866465.
Genomic context (GRCh38, chr14:95,096,031, plus strand): 5'-AACATACATCTTGGTGGAATCTTCAAACAACCATATTCCGAGTCTTTCAATACAGAAGAG[C>A]GTGAACTGGCCACAGAAGCAGCAGCACAGCTCACTGAAAGGTTCTTTTGTTGGCTGTTGA-3'
Protein context (NP_803187.1, residues 1620-1640): SCAAASVASS[Arg1630Leu]SSVLKDSEYG

ClinVar aggregate classification (germline): Uncertain significance. Review status: reviewed by expert panel (3 of 4 stars). 4 submissions from 4 submitters: Uncertain significance (1). 3 of the submissions do not count toward it. Last evaluated 2026-02-24.

Conditions:
DICER1-related tumor predisposition. Also called: DICER1-related pleuropulmonary blastoma cancer predisposition syndrome; DICER1 syndrome. Identifiers: Orphanet 284343, MedGen C3839822, MONDO:0100216.
Hereditary cancer-predisposing syndrome. Also called: Tumor predisposition; Hereditary neoplastic syndrome; Neoplastic Syndromes, Hereditary; Hereditary Cancer Syndrome. Identifiers: Orphanet 140162, MedGen C0027672, MeSH D009386, MONDO:0015356.

Allele frequency attached by ClinVar (database versions not stated): TOPMed 0.00001.

Submissions (4):

ClinGen DICER1 and miRNA-Processing Gene Variant Curation Expert Panel, ClinGen
Classification: Uncertain significance for DICER1-related tumor predisposition. Last evaluated: 2026-02-24. Review status: reviewed by expert panel. Criteria: ClinGen DICER1 ACMG Specifications DICER1 V1.4.0. Collection method: curation. Allele origin: germline. Inheritance: Autosomal dominant inheritance.
Comment: The NM_177438.2:c.4889G>T variant in DICER1 is a missense variant predicted to cause substitution of arginine by leucine at amino acid 1630 (p.Arg1630Leu). This variant is absent from gnomAD v4.1.0 (PM2_Supporting). In silico tools predict no damaging impact of the variant on protein function (REVEL: 0.041; MaxEntScan and SpliceAI: no effect on splicing) (BP4). Although this variant has been observed in individuals undergoing genetic sequencing, to our knowledge, this variant has not been reported in individuals with DICER1-related tumor predisposition (PS4 not met; Internal lab contributors). In summary, this variant meets the criteria to be classified as Uncertain Significance for DICER1-related tumor predisposition based on the ACMG/AMP criteria applied, as specified by the ClinGen DICER1 VCEP: PM2_Supporting, BP4. (Bayesian Points: 0; VCEP specifications version 1.4.0; 02/24/2026)

Center for Genomic Medicine, Rigshospitalet, Copenhagen University Hospital
Classification: Uncertain significance. Last evaluated: 2025-03-04. Review status: criteria provided, single submitter. Criteria: ACMG Guidelines, 2015. Collection method: clinical testing. Allele origin: germline. Not counted in ClinVar's aggregate classification.

Ambry Genetics
Classification: Uncertain significance for Hereditary cancer-predisposing syndrome. Last evaluated: 2024-10-18. Review status: criteria provided, single submitter. Criteria: Ambry Variant Classification Scheme 2023. Collection method: clinical testing. Allele origin: germline. Not counted in ClinVar's aggregate classification.
Comment: The p.R1630L variant (also known as c.4889G>T), located in coding exon 22 of the DICER1 gene, results from a G to T substitution at nucleotide position 4889. The arginine at codon 1630 is replaced by leucine, an amino acid with dissimilar properties. This amino acid position is not well conserved in available vertebrate species. In addition, this alteration is predicted to be tolerated by in silico analysis. Based on the available evidence, the clinical significance of this variant remains unclear.

Foulkes Cancer Genetics LDI, Lady Davis Institute for Medical Research
Classification: Likely pathogenic. Last evaluated: 2019-07-01. Review status: criteria provided, single submitter. Criteria: ACMG Guidelines, 2015. Collection method: curation. Allele origin: somatic. Affected: yes. Observed: 1 variant allele. Not counted in ClinVar's aggregate classification.
Comment: ACMG criteria met: PM1, PM2, PM5, BP1

Literature cited by the submitters: PubMed 28012864 (cited by Foulkes Cancer Genetics LDI, Lady Davis Institute for Medical Research).